The following is an entry in ClinVar:

NM_015021.3(ZNF292):c.4979del (p.Lys1660fs)

Gene: ZNF292 (zinc finger protein 292; plus strand). Cytogenetic location: 6q14.3.
Variant type: Deletion.
Coding change: c.4979del on transcript NM_015021.3 (MANE Select); coding-DNA position 4979, one base deleted (A; older notation c.4979delA).
Protein change: p.Lys1660fs; shifts the reading frame from lysine 1660.
Molecular consequence: frameshift variant.
Genome position (GRCh38, 1-based): chr6:87,258,608, A deleted; the last of 3 consecutive A bases (chr6:87,258,606-87,258,608); deleting any one gives the same sequence. VCF-style (leftmost placement, unchanged base first): chr6-87258605-CA-C. GRCh37 (hg19) VCF-style: chr6-87968323-CA-C.
Other names: c.4559del, p.Lys1520fs (NM_001351444.2); short protein forms K1520fs, K1660fs.
Identifiers: ClinVar variation 4823761 (VCV004823761.4).

ClinVar aggregate classification (germline): Likely pathogenic (1 of 4 stars; one submission).

Submission:

CeGaT Center for Human Genetics Tuebingen
Classification: Likely pathogenic. Last evaluated: 2026-03-01. Review status: criteria provided, single submitter. Criteria: CeGaT Center For Human Genetics Tuebingen Variant Classification Criteria Version 2. Collection method: clinical testing. Allele origin: germline. Affected: yes. Observed: 1 variant allele.
Comment: ZNF292: PVS1:Strong, PM2